The following is an entry in ClinVar:

ClinVar aggregate classification (germline): Uncertain significance (1 of 4 stars; one submission).

Conditions:
Wilson disease (WND). Also called: Wilson's disease. Identifiers: Orphanet 905, MedGen C0019202, MONDO:0010200, OMIM 277900. Disease mechanism: loss of function.

gnomAD v4.1: 1 of 1,614,188 alleles (0.000062%); highest among the groups gnomAD compares: Non-Finnish European, 0.000085%; no homozygotes.

Submission:

Labcorp Genetics (formerly Invitae), Labcorp
Classification: Uncertain significance for Wilson disease. Last evaluated: 2022-12-22. Review status: criteria provided, single submitter. Criteria: Invitae Variant Classification Sherloc (09022015). Collection method: clinical testing. Allele origin: germline.
Comment: This variant has not been reported in the literature in individuals affected with ATP7B-related conditions. This variant is not present in population databases (gnomAD no frequency). This sequence change replaces tyrosine, which is neutral and polar, with serine, which is neutral and polar, at codon 741 of the ATP7B protein (p.Tyr741Ser). Advanced modeling of protein sequence and biophysical properties (such as structural, functional, and spatial information, amino acid conservation, physicochemical variation, residue mobility, and thermodynamic stability) performed at Invitae indicates that this missense variant is not expected to disrupt ATP7B protein function. In summary, the available evidence is currently insufficient to determine the role of this variant in disease. Therefore, it has been classified as a Variant of Uncertain Significance. This variant disrupts the p.Tyr741 amino acid residue in ATP7B. Other variant(s) that disrupt this residue have been determined to be pathogenic (PMID: 9887381, 30702195). This suggests that this residue is clinically significant, and that variants that disrupt this residue are likely to be disease-causing.

Literature cited by the submitters: PubMed 9887381; PubMed 30702195.

NM_000053.4(ATP7B):c.2222A>C (p.Tyr741Ser)

Gene: ATP7B (ATPase copper transporting beta; minus strand). Cytogenetic location: 13q14.3.
Variant type: single nucleotide variant.
Coding change: c.2222A>C on transcript NM_000053.4 (MANE Select); coding-DNA position 2222, A replaced by C.
Protein change: p.Tyr741Ser; replaces tyrosine 741 with serine.
Molecular consequence: missense variant. On other transcripts: intron variant (20).
Genome position (GRCh38, 1-based): chr13:51,958,444, T>G on the plus strand (A>C on the coding strand, the complement: ATP7B is on the minus strand). VCF-style: chr13-51958444-T-G. GRCh37 (hg19) VCF-style: chr13-52532580-T-G.
Other names: c.2126A>C, p.Tyr709Ser (NM_001406518.1, NM_001406517.1); c.2222A>C, p.Tyr741Ser (NM_001406519.1, NM_001406523.1, NM_001406525.1 and 7 more transcripts); c.1970A>C, p.Tyr657Ser (NM_001406531.1, NM_001406532.1, NM_001406540.1 and 1 more transcripts); c.1793A>C, p.Tyr598Ser (NM_001406539.1); c.1874A>C, p.Tyr625Ser (NM_001406543.1); c.1870-837A>C (NM_001406541.1, NM_001005918.3, NM_001406546.1 and 1 more transcripts); c.2122-837A>C (NM_001406527.1, NM_001406528.1, NM_001406534.1 and 2 more transcripts); c.2122-44A>C (NM_001406537.1, NM_001406521.1, NM_001406522.1 and 1 more transcripts); and 8 more; short protein forms Y598S, Y730S, Y741S, Y657S, Y625S, Y630S, Y709S.
Identifiers: ClinVar variation 2814852 (VCV002814852.3), dbSNP rs770533110, ClinGen allele CA388022533.